The following is an entry in ClinVar:

ClinVar aggregate classification (germline): Uncertain significance. Review status: criteria provided, multiple submitters, no conflicts (2 of 4 stars). 2 submissions from 2 submitters: Uncertain significance (2). Last evaluated 2025-10-29.

Conditions:
Hereditary cancer-predisposing syndrome. Also called: Tumor predisposition; Hereditary Cancer Syndrome; Neoplastic Syndromes, Hereditary; Hereditary neoplastic syndrome. Identifiers: Orphanet 140162, MedGen C0027672, MeSH D009386, MONDO:0015356.
Haddad syndrome (OHD). Also called: Ondine-Hirschsprung disease. Identifiers: Orphanet 99803, MedGen C1859049, MONDO:0020493.

Allele frequency attached by ClinVar (database versions not stated): gnomAD exomes below 0.00001.
gnomAD v4.1: 1 of 1,606,110 alleles (0.000062%); highest among the groups gnomAD compares: Non-Finnish European, 0.000085%; no homozygotes.

Submissions (2):

Ambry Genetics
Classification: Uncertain significance for Hereditary cancer-predisposing syndrome. Last evaluated: 2025-10-29. Review status: criteria provided, single submitter. Criteria: Ambry Variant Classification Scheme 2023. Collection method: clinical testing. Allele origin: germline.
Comment: The p.S282C variant (also known as c.845C>G), located in coding exon 3 of the PHOX2B gene, results from a C to G substitution at nucleotide position 845. The serine at codon 282 is replaced by cysteine, an amino acid with dissimilar properties. This amino acid position is well conserved in available vertebrate species. In addition, the in silico prediction for this alteration is inconclusive. Based on the available evidence, the clinical significance of this variant remains unclear.

Labcorp Genetics (formerly Invitae), Labcorp
Classification: Uncertain significance for Haddad syndrome. Last evaluated: 2021-04-28. Review status: criteria provided, single submitter. Criteria: Invitae Variant Classification Sherloc (09022015). Collection method: clinical testing. Allele origin: germline.
Comment: In summary, the available evidence is currently insufficient to determine the role of this variant in disease. Therefore, it has been classified as a Variant of Uncertain Significance. Algorithms developed to predict the effect of missense changes on protein structure and function are either unavailable or do not agree on the potential impact of this missense change (SIFT: "Deleterious"; PolyPhen-2: "Not Available"; Align-GVGD: "Class C0"). This variant has not been reported in the literature in individuals with PHOX2B-related conditions. ClinVar contains an entry for this variant (Variation ID: 822462). This variant is not present in population databases (ExAC no frequency). This sequence change replaces serine with cysteine at codon 282 of the PHOX2B protein (p.Ser282Cys). The serine residue is highly conserved and there is a moderate physicochemical difference between serine and cysteine.

NM_003924.4(PHOX2B):c.845C>G (p.Ser282Cys)

Gene: PHOX2B (paired like homeobox 2B; minus strand). Cytogenetic location: 4p13.
Variant type: single nucleotide variant.
Coding change: c.845C>G on transcript NM_003924.4 (MANE Select); coding-DNA position 845, C replaced by G.
Protein change: p.Ser282Cys; replaces serine 282 with cysteine.
Molecular consequence: missense variant.
Genome position (GRCh38, 1-based): chr4:41,745,907, G>C on the plus strand (C>G on the coding strand, the complement: PHOX2B is on the minus strand). VCF-style: chr4-41745907-G-C. GRCh37 (hg19) VCF-style: chr4-41747924-G-C.
Other names: short protein forms S282C.
Identifiers: ClinVar variation 822462 (VCV000822462.13), dbSNP rs1577558774, ClinGen allele CA356737013.